The following is an entry in ClinVar:

NM_017636.4(TRPM4):c.2772C>T (p.Ser924=)

Gene: TRPM4 (transient receptor potential cation channel subfamily M member 4; plus strand). Cytogenetic location: 19q13.33.
Variant type: single nucleotide variant.
Coding change: c.2772C>T on transcript NM_017636.4 (MANE Select); coding-DNA position 2772, C replaced by T.
Protein change: p.Ser924=; no amino-acid change (serine 924 retained).
Molecular consequence: synonymous variant.
Genome position (GRCh38, 1-based): chr19:49,200,426, C>T. VCF-style: chr19-49200426-C-T. GRCh37 (hg19) VCF-style: chr19-49703683-C-T.
Other names: c.2337C>T, p.Ser779= (NM_001195227.2); c.2427C>T, p.Ser809= (NM_001321281.2); c.1164C>T, p.Ser388= (NM_001321282.2); c.2250C>T, p.Ser750= (NM_001321283.2); c.1710C>T, p.Ser570= (NM_001321285.2).
Identifiers: ClinVar variation 3000596 (VCV003000596.3), dbSNP rs1968872625, ClinGen allele CA508103792.

ClinVar aggregate classification (germline): Uncertain significance (1 of 4 stars; one submission).

Conditions:
Progressive familial heart block type IB (PFHB1B). Identifiers: Orphanet 871, MedGen C1970298, MONDO:0011474, OMIM 604559.

gnomAD v4.1: 1 of 1,466,494 alleles (0.000068%); no homozygotes.

Submission:

Labcorp Genetics (formerly Invitae), Labcorp
Classification: Uncertain significance for Progressive familial heart block type IB. Last evaluated: 2023-08-22. Review status: criteria provided, single submitter. Criteria: Invitae Variant Classification Sherloc (09022015). Collection method: clinical testing. Allele origin: germline.
Comment: In summary, the available evidence is currently insufficient to determine the role of this variant in disease. Therefore, it has been classified as a Variant of Uncertain Significance. Algorithms developed to predict the effect of sequence changes on RNA splicing suggest that this variant may disrupt the consensus splice site. This variant has not been reported in the literature in individuals affected with TRPM4-related conditions. This variant is not present in population databases (gnomAD no frequency). This sequence change affects codon 924 of the TRPM4 mRNA. It is a 'silent' change, meaning that it does not change the encoded amino acid sequence of the TRPM4 protein.